The following is an entry in ClinVar:

NM_144643.4(SCLT1):c.616-1G>T

Gene: SCLT1 (sodium channel and clathrin linker 1; minus strand). Cytogenetic location: 4q28.2.
Variant type: single nucleotide variant.
Coding change: c.616-1G>T on transcript NM_144643.4 (MANE Select); the canonical splice acceptor site of the intron before coding-DNA position 616, G replaced by T.
Molecular consequence: splice acceptor variant.
Genome position (GRCh38, 1-based): chr4:128,992,238, C>A on the plus strand (G>T on the coding strand, the complement: SCLT1 is on the minus strand). VCF-style: chr4-128992238-C-A. GRCh37 (hg19) VCF-style: chr4-129913393-C-A.
Other names: c.616-1G>T (NM_001410807.1).
Identifiers: ClinVar variation 1519657 (VCV001519657.6), dbSNP rs2126069391, ClinGen allele CA358189568.

ClinVar aggregate classification (germline): Likely pathogenic (1 of 4 stars; one submission).

Submission:

Labcorp Genetics (formerly Invitae), Labcorp
Classification: Likely pathogenic. Last evaluated: 2021-09-08. Review status: criteria provided, single submitter. Criteria: Invitae Variant Classification Sherloc (09022015). Collection method: clinical testing. Allele origin: germline.
Comment: This sequence change affects an acceptor splice site in intron 8 of the SCLT1 gene. It is expected to disrupt RNA splicing. Variants that disrupt the donor or acceptor splice site typically lead to a loss of protein function (PMID: 16199547), and loss-of-function variants in SCLT1 are known to be pathogenic (PMID: 28005958). This variant is not present in population databases (ExAC no frequency). This variant has not been reported in the literature in individuals affected with SCLT1-related conditions. Algorithms developed to predict the effect of sequence changes on RNA splicing suggest that this variant may disrupt the consensus splice site. In summary, the currently available evidence indicates that the variant is pathogenic, but additional data are needed to prove that conclusively. Therefore, this variant has been classified as Likely Pathogenic.

Literature cited by the submitters: PubMed 16199547; PubMed 28005958.